The following is an entry in ClinVar:

NM_000346.4(SOX9):c.1504G>A (p.Val502Ile)

Gene: SOX9 (SRY-box transcription factor 9; plus strand). Cytogenetic location: 17q24.3.
Variant type: single nucleotide variant.
Coding change: c.1504G>A on transcript NM_000346.4 (MANE Select); coding-DNA position 1504, G replaced by A.
Protein change: p.Val502Ile; replaces valine 502 with isoleucine.
Molecular consequence: missense variant.
Genome position (GRCh38, 1-based): chr17:72,124,361, G>A. VCF-style: chr17-72124361-G-A. GRCh37 (hg19) VCF-style: chr17-70120502-G-A.
Other names: short protein forms V502I.
Identifiers: ClinVar variation 1469543 (VCV001469543.8), dbSNP rs774375417, ClinGen allele CA293784322.

ClinVar aggregate classification (germline): Uncertain significance (1 of 4 stars; one submission).

Conditions:
Camptomelic dysplasia (CMPD). Also called: Campomelic Dysplasia; CMPD1/SRA1. Identifiers: Orphanet 140, MedGen C1861922, MONDO:0007251, OMIM 114290.

Allele frequency attached by ClinVar (database versions not stated): TOPMed below 0.00001; gnomAD 0.00001; gnomAD exomes 0.00003.

Submission:

Labcorp Genetics (formerly Invitae), Labcorp
Classification: Uncertain significance for Camptomelic dysplasia. Last evaluated: 2021-05-01. Review status: criteria provided, single submitter. Criteria: Invitae Variant Classification Sherloc (09022015). Collection method: clinical testing. Allele origin: germline.
Comment: This variant is not present in population databases (ExAC no frequency). In summary, the available evidence is currently insufficient to determine the role of this variant in disease. Therefore, it has been classified as a Variant of Uncertain Significance. Algorithms developed to predict the effect of missense changes on protein structure and function (SIFT, PolyPhen-2, Align-GVGD) all suggest that this variant is likely to be tolerated, but these predictions have not been confirmed by published functional studies and their clinical significance is uncertain. This variant has not been reported in the literature in individuals with SOX9-related conditions. This sequence change replaces valine with isoleucine at codon 502 of the SOX9 protein (p.Val502Ile). The valine residue is highly conserved and there is a small physicochemical difference between valine and isoleucine.